The following is an entry in ClinVar:

NM_003601.4(SMARCA5):c.370C>A (p.Arg124Ser)

Gene: SMARCA5 (SNF2 related chromatin remodeling ATPase 5; plus strand). Cytogenetic location: 4q31.21.
Variant type: single nucleotide variant.
Coding change: c.370C>A on transcript NM_003601.4 (MANE Select); coding-DNA position 370, C replaced by A.
Protein change: p.Arg124Ser; replaces arginine 124 with serine.
Molecular consequence: missense variant.
Genome position (GRCh38, 1-based): chr4:143,521,546, C>A. VCF-style: chr4-143521546-C-A. GRCh37 (hg19) VCF-style: chr4-144442699-C-A.
Other names: short protein forms R124S.
Identifiers: ClinVar variation 4975865 (VCV004975865.1).
Genomic context (GRCh38, chr4:143,521,546, plus strand): 5'-CATTTCATTCAACCTGCTGCTCAGAAGACTCCAACTTCACCTTTGAAGATGAAACCAGGG[C>A]GCCCACGAATAAAAAAAGATGAGAAGCAGAACTTACTATCCGTTGGCGAGTGAGTAATAG-3'
Protein context (NP_003592.3, residues 114-134): PTSPLKMKPG[Arg124Ser]PRIKKDEKQN

ClinVar aggregate classification (germline): Uncertain significance (1 of 4 stars; one submission).

Submission:

GeneDx
Classification: Uncertain significance. Last evaluated: 2026-02-01. Review status: criteria provided, single submitter. Criteria: GeneDx Variant Classification Process June 2021. Collection method: clinical testing. Allele origin: germline.
Comment: Not observed at significant frequency in large population cohorts (gnomAD); In silico analysis suggests that this missense variant does not alter protein structure/function; Has not been previously published as pathogenic or benign to our knowledge